The following is an entry in ClinVar:

NM_020975.6(RET):c.615G>C (p.Arg205Ser)

Gene: RET (ret proto-oncogene; plus strand). Cytogenetic location: 10q11.21.
Variant type: single nucleotide variant.
Coding change: c.615G>C on transcript NM_020975.6 (MANE Select); coding-DNA position 615, G replaced by C.
Protein change: p.Arg205Ser; replaces arginine 205 with serine.
Molecular consequence: missense variant.
Genome position (GRCh38, 1-based): chr10:43,102,619, G>C. VCF-style: chr10-43102619-G-C. GRCh37 (hg19) VCF-style: chr10-43598067-G-C.
Other names: c.615G>C, p.Arg205Ser (NM_000323.2, NM_001406743.1, NM_001406744.1 and 16 more transcripts); c.486G>C, p.Arg162Ser (NM_001406761.1, NM_001406762.1, NM_001406764.1 and 4 more transcripts); short protein forms R162S, R205S.
Identifiers: ClinVar variation 1751943 (VCV001751943.8), dbSNP rs2492165634, ClinGen allele CA376543679.

ClinVar aggregate classification (germline): Conflicting classifications of pathogenicity. Review status: criteria provided, conflicting classifications (1 of 4 stars). 2 submissions from 2 submitters: Uncertain significance (1); Likely benign (1). Last evaluated 2026-08-14.

Conditions:
Multiple endocrine neoplasia, type 2 (MEN2). Identifiers: Orphanet 653, MedGen C4048306, MONDO:0019003. Disease mechanism: gain of function.
Hereditary cancer-predisposing syndrome. Also called: Hereditary Cancer Syndrome; Hereditary neoplastic syndrome; Neoplastic Syndromes, Hereditary; Tumor predisposition. Identifiers: Orphanet 140162, MedGen C0027672, MeSH D009386, MONDO:0015356.

Submissions (2):

Ambry Genetics
Classification: Likely benign for Hereditary cancer-predisposing syndrome. Last evaluated: 2026-08-14. Review status: criteria provided, single submitter. Criteria: Ambry Variant Classification Scheme 2023. Collection method: clinical testing. Allele origin: germline.

Labcorp Genetics (formerly Invitae), Labcorp
Classification: Uncertain significance for Multiple endocrine neoplasia, type 2. Last evaluated: 2022-01-23. Review status: criteria provided, single submitter. Criteria: Invitae Variant Classification Sherloc (09022015). Collection method: clinical testing. Allele origin: germline.
Comment: This sequence change replaces arginine, which is basic and polar, with serine, which is neutral and polar, at codon 205 of the RET protein (p.Arg205Ser). This variant is not present in population databases (gnomAD no frequency). This variant has not been reported in the literature in individuals affected with RET-related conditions. Algorithms developed to predict the effect of missense changes on protein structure and function output the following: SIFT: "Tolerated"; PolyPhen-2: "Benign"; Align-GVGD: "Class C0". The serine amino acid residue is found in multiple mammalian species, which suggests that this missense change does not adversely affect protein function. In summary, the available evidence is currently insufficient to determine the role of this variant in disease. Therefore, it has been classified as a Variant of Uncertain Significance.